The following is an entry in ClinVar:

NM_000135.4(FANCA):c.-1_2del (p.Met1del)

Genes: FANCA (FA complementation group A; minus strand), LOC112486223 (Sharpr-MPRA regulatory region 3988; plus strand). Cytogenetic location: 16q24.3.
Variant type: Deletion.
Coding change: c.-1_2del on transcript NM_000135.4 (MANE Select); 1 bases upstream of the start codon through coding-DNA position 2, 3 bases deleted (CAT; older notation c.-1_2delCAT).
Protein change: p.Met1del; deletes methionine 1.
Molecular consequence: inframe deletion, initiator codon variant.
Genome position (GRCh38, 1-based): chr16:89,816,614-89,816,616, ATG deleted on the plus strand (CAT on the coding strand, the reverse complement: FANCA is on the minus strand). VCF-style (leftmost placement, unchanged base first): chr16-89816613-CATG-C. GRCh37 (hg19) VCF-style: chr16-89883021-CATG-C.
Other names: c.-1_2del, p.Met1del (NM_001018112.3, NM_001286167.3, NM_001351830.2); short protein forms M1del.
Identifiers: ClinVar variation 1071078 (VCV001071078.9), dbSNP rs2143732272, ClinGen allele CA2499223873.

ClinVar aggregate classification (germline): Pathogenic (1 of 4 stars; one submission).

Conditions:
Fanconi anemia (FA). Also called: Fanconi's anemia. Identifiers: Orphanet 84, MedGen C0015625, MeSH D005199, MONDO:0019391.

Submission:

Labcorp Genetics (formerly Invitae), Labcorp
Classification: Pathogenic for Fanconi anemia. Last evaluated: 2020-01-03. Review status: criteria provided, single submitter. Criteria: Invitae Variant Classification Sherloc (09022015). Collection method: clinical testing. Allele origin: germline.
Comment: For these reasons, this variant has been classified as Pathogenic. Disruptions of the initiator codon (c.1A>T, c.1A>G, c.2T>A, and c.2T>C) have been reported in individuals affected with Fanconi anemia (PMID: 10090479, 16084127, 24584348, 15643609, 22778927, 23898106). The frequency data for this variant in the population databases is considered unreliable, as metrics indicate insufficient coverage at this position in the ExAC database. This sequence change affects the initiator methionine of the FANCA mRNA. The next in-frame methionine is located at codon 116. This variant is expected to result in an absent or disrupted protein product.

Literature cited by the submitters: PubMed 10090479; PubMed 16084127; PubMed 24584348; PubMed 15643609; PubMed 22778927; PubMed 23898106.